The following is an entry in ClinVar:

ClinVar aggregate classification (germline): Likely pathogenic (1 of 4 stars; one submission).

Conditions:
Deficiency of hyaluronoglucosaminidase (MPS9). Also called: MPS IX; Mucopolysaccharidosis type 9; HYALURONIDASE DEFICIENCY. Identifiers: Orphanet 67041, MedGen C1291490, MONDO:0011093, OMIM 601492.

gnomAD v4.1: 1 of 1,613,926 alleles (0.000062%); highest among the groups gnomAD compares: Non-Finnish European, 0.000085%; no homozygotes.

Submission:

Natera, Inc.
Classification: Likely pathogenic for Mucopolysaccharidosis type IX. Last evaluated: 2024-04-05. Review status: criteria provided, single submitter. Criteria: Natera Variant Classification Schema (03/2026). Collection method: clinical testing. Allele origin: germline.
Comment: The c.1012G>T variant in HYAL1 is a nonsense variant predicted to introduce a stop codon at amino acid 338. This variant is expected to result in nonsense mediated decay, truncation, or a dysfunctional protein product. This variant is rare in the general population with a frequency below the threshold expected for the associated phenotype(s). Given the available evidence, this variant is classified as Likely Pathogenic.

NM_033159.4(HYAL1):c.1012G>T (p.Glu338Ter)

Gene: HYAL1 (hyaluronidase 1; minus strand). Cytogenetic location: 3p21.31.
Variant type: single nucleotide variant.
Coding change: c.1012G>T on transcript NM_033159.4 (MANE Select); coding-DNA position 1012, G replaced by T.
Protein change: p.Glu338Ter; replaces glutamic acid 338 with a stop codon.
Molecular consequence: nonsense. On other transcripts: non-coding transcript variant (1).
Genome position (GRCh38, 1-based): chr3:50,300,779, C>A on the plus strand (G>T on the coding strand, the complement: HYAL1 is on the minus strand). VCF-style: chr3-50300779-C-A. GRCh37 (hg19) VCF-style: chr3-50338210-C-A.
Other names: c.1012G>T, p.Glu338Ter (NM_153281.2); c.922G>T, p.Glu308Ter (NM_153282.3); c.466G>T, p.Glu156Ter (NM_153283.3); c.235G>T, p.Glu79Ter (NM_153285.3); short protein forms E156*, E308*, E338*, E79*.
Identifiers: ClinVar variation 4816908 (VCV004816908.1).
Genomic context (GRCh38, chr3:50,300,779, plus strand): 5'-AGAGAAGGGCCCCACTGGTCACGTTCAGGATGAAGGGCCCCAGTGTAGTGTCCATATACT[C>A]CTTGATGGCCTGACATGATTCCTAGGTGGGAAGGGAGGATAGCGTCAGGGACACCATGGC-3'